The following is an entry in ClinVar:

NM_004006.3(DMD):c.884G>A (p.Arg295Gln)

Gene: DMD (dystrophin; minus strand). Cytogenetic location: Xp21.1.
Variant type: single nucleotide variant.
Coding change: c.884G>A on transcript NM_004006.3 (MANE Select); coding-DNA position 884, G replaced by A.
Protein change: p.Arg295Gln; replaces arginine 295 with glutamine.
Molecular consequence: missense variant.
Genome position (GRCh38, 1-based): chrX:32,697,946, C>T on the plus strand (G>A on the coding strand, the complement: DMD is on the minus strand). VCF-style: chrX-32697946-C-T. GRCh37 (hg19) VCF-style: chrX-32716063-C-T.
Other names: p.Arg295Gln; c.860G>A, p.Arg287Gln (NM_000109.4); c.872G>A, p.Arg291Gln (NM_004009.3); c.515G>A, p.Arg172Gln (NM_004010.3); short protein forms R295Q, R287Q, R291Q, R172Q.
Identifiers: ClinVar variation 380320 (VCV000380320.21), dbSNP rs377587957, ClinGen allele CA10380038.

ClinVar aggregate classification (germline): Conflicting classifications of pathogenicity. Review status: criteria provided, conflicting classifications (1 of 4 stars). 8 submissions from 8 submitters: Uncertain significance (1); Benign (1); Likely benign (5). 1 of the submissions does not count toward it. Last evaluated 2025-12-26.

Conditions:
Cardiomyopathy (CMYO). Also called: Cardiomyopathies. Identifiers: Orphanet 167848, MedGen C0878544, MONDO:0004994, HP:0001638. Inheritance: Various modes of inheritance.
Dystrophin deficiency.
Duchenne muscular dystrophy (DMD). Also called: Duchenne Muscular Dystrophy (DMD); MUSCULAR DYSTROPHY, PSEUDOHYPERTROPHIC PROGRESSIVE, DUCHENNE TYPE. Identifiers: Orphanet 98896, MedGen C0013264, MONDO:0010679, OMIM 310200.
Becker muscular dystrophy (BMD). Also called: Becker Muscular Dystrophy (BMD); MUSCULAR DYSTROPHY, PSEUDOHYPERTROPHIC PROGRESSIVE, BECKER TYPE. Identifiers: Orphanet 98895, MedGen C0917713, MONDO:0010311, OMIM 300376.
DMD-related disorder. Also called: DMD-related condition.
Cardiovascular phenotype. Identifiers: MedGen CN230736.

Allele frequency attached by ClinVar (database versions not stated): ExAC 0.00008; ESP Exome Variant Server 0.00009; TOPMed 0.00016; gnomAD 0.00023.
gnomAD v4.1: 22 of 1,203,113 alleles (0.0018%); highest among the groups gnomAD compares: African/African-American, 0.025%; no homozygotes.

Submissions (8):

Labcorp Genetics (formerly Invitae), Labcorp
Classification: Benign for Duchenne muscular dystrophy. Last evaluated: 2025-12-26. Review status: criteria provided, single submitter. Criteria: Invitae Variant Classification Sherloc (09022015). Collection method: clinical testing. Allele origin: germline.

PreventionGenetics, part of Exact Sciences
Classification: Likely benign for DMD-related condition. Last evaluated: 2025-11-22. Review status: criteria provided, single submitter. Criteria: ACMG Guidelines, 2015. Collection method: clinical testing. Allele origin: germline.
Comment: This variant is classified as likely benign based on ACMG/AMP sequence variant interpretation guidelines (Richards et al. 2015 PMID: 25741868, with internal and published modifications).

Mayo Clinic Laboratories, Mayo Clinic
Classification: Likely benign. Last evaluated: 2025-08-20. Review status: criteria provided, single submitter. Criteria: ACMG Guidelines, 2015. Collection method: clinical testing. Allele origin: germline. Observed: 1 variant allele.
Comment: BS2_supporting, BP4

ARUP Laboratories, Molecular Genetics and Genomics, ARUP Laboratories
Classification: Likely benign. Last evaluated: 2024-12-19. Review status: criteria provided, single submitter. Criteria: ARUP Molecular Germline Variant Investigation Process 2024. Collection method: clinical testing. Allele origin: germline.

Ambry Genetics
Classification: Likely benign for Cardiovascular phenotype. Last evaluated: 2019-10-30. Review status: criteria provided, single submitter. Criteria: Ambry Variant Classification Scheme 2023. Collection method: clinical testing. Allele origin: germline.

Eurofins Ntd Llc (ga)
Classification: Uncertain significance. Last evaluated: 2018-04-04. Review status: criteria provided, single submitter. Criteria: EGL ClinVar v180209 classification definitions. Collection method: clinical testing. Allele origin: germline. Observed: 1 variant allele, 1 hemizygote.

GeneDx
Classification: Likely benign. Last evaluated: 2018-02-15. Review status: criteria provided, single submitter. Criteria: GeneDx Variant Classification (06012015). Collection method: clinical testing. Allele origin: germline. Affected: yes.
Comment: This variant is considered likely benign or benign based on one or more of the following criteria: it is a conservative change, it occurs at a poorly conserved position in the protein, it is predicted to be benign by multiple in silico algorithms, and/or has population frequency not consistent with disease.

Natera, Inc.
Classification: Likely benign for Becker muscular dystrophy; Cardiomyopathy; Duchenne muscular dystrophy; Dystrophin deficiency. Last evaluated: 2020-04-20. Review status: no assertion criteria provided. Collection method: clinical testing. Allele origin: germline. Not counted in ClinVar's aggregate classification.